The following is an entry in ClinVar:

ClinVar aggregate classification (germline): Uncertain significance (1 of 4 stars; one submission).

Allele frequency attached by ClinVar (database versions not stated): gnomAD exomes below 0.00001; ExAC 0.00001; gnomAD 0.00003; TOPMed 0.00003.
gnomAD v4.1: 6 of 1,614,088 alleles (0.00037%); highest among the groups gnomAD compares: African/African-American, 0.004%; no homozygotes.

Submission:

Labcorp Genetics (formerly Invitae), Labcorp
Classification: Uncertain significance. Last evaluated: 2022-08-19. Review status: criteria provided, single submitter. Criteria: Invitae Variant Classification Sherloc (09022015). Collection method: clinical testing. Allele origin: germline.
Comment: This sequence change replaces glycine, which is neutral and non-polar, with aspartic acid, which is acidic and polar, at codon 648 of the SLC25A12 protein (p.Gly648Asp). This variant is present in population databases (rs772765206, gnomAD 0.006%). This variant has not been reported in the literature in individuals affected with SLC25A12-related conditions. Algorithms developed to predict the effect of missense changes on protein structure and function are either unavailable or do not agree on the potential impact of this missense change (SIFT: "Deleterious"; PolyPhen-2: "Probably Damaging"; Align-GVGD: "Class C0"). In summary, the available evidence is currently insufficient to determine the role of this variant in disease. Therefore, it has been classified as a Variant of Uncertain Significance.

NM_003705.5(SLC25A12):c.1943G>A (p.Gly648Asp)

Gene: SLC25A12 (solute carrier family 25 member 12; minus strand). Cytogenetic location: 2q31.1.
Variant type: single nucleotide variant.
Coding change: c.1943G>A on transcript NM_003705.5 (MANE Select); coding-DNA position 1943, G replaced by A.
Protein change: p.Gly648Asp; replaces glycine 648 with aspartic acid.
Molecular consequence: missense variant. On other transcripts: non-coding transcript variant (1).
Genome position (GRCh38, 1-based): chr2:171,785,368, C>T on the plus strand (G>A on the coding strand, the complement: SLC25A12 is on the minus strand). VCF-style: chr2-171785368-C-T. GRCh37 (hg19) VCF-style: chr2-172641878-C-T.
Other names: short protein forms G648D.
Identifiers: ClinVar variation 2109675 (VCV002109675.1), dbSNP rs772765206, ClinGen allele CA1966000.